The following is an entry in ClinVar:

NM_003809.3(TNFSF12):c.238G>T (p.Asp80Tyr)

Genes: TNFSF12 (TNF superfamily member 12; plus strand), TNFSF12-TNFSF13 (TNFSF12-TNFSF13 readthrough; plus strand). Cytogenetic location: 17p13.1.
Variant type: single nucleotide variant.
Coding change: c.238G>T on transcript NM_003809.3 (MANE Select); coding-DNA position 238, G replaced by T.
Protein change: p.Asp80Tyr; replaces aspartic acid 80 with tyrosine.
Molecular consequence: missense variant. On other transcripts: non-coding transcript variant (1).
Genome position (GRCh38, 1-based): chr17:7,550,150, G>T. VCF-style: chr17-7550150-G-T. GRCh37 (hg19) VCF-style: chr17-7453467-G-T.
Other names: c.238G>T, p.Asp80Tyr (NM_172089.4); short protein forms D80Y.
Identifiers: ClinVar variation 4777565 (VCV004777565.1).
Genomic context (GRCh38, chr17:7,550,150, plus strand): 5'-TGTGGTTGAACCCTGCCCTAATTCCCCTAGGAACTGAATCCCCAGACAGAAGAAAGCCAG[G>T]ATCCTGCGCCTTTCCTGAACCGACTAGTTCGGCCTCGCAGAAGTGGTGAGCATCCCTCTA-3'
Protein context (NP_003800.1, residues 70-90): ELNPQTEESQ[Asp80Tyr]PAPFLNRLVR

ClinVar aggregate classification (germline): Uncertain significance (1 of 4 stars; one submission).

Conditions:
Common variable immunodeficiency (CVID). Also called: Common variable hypogamma-globulinemia; Common variable agammaglobulinemia. Identifiers: Orphanet 1572, MedGen C0009447, MONDO:0015517.

gnomAD v4.1: 5 of 1,613,986 alleles (0.00031%); highest among the groups gnomAD compares: East Asian, 0.0089%; no homozygotes.

Submission:

Labcorp Genetics (formerly Invitae), Labcorp
Classification: Uncertain significance for Common variable immunodeficiency. Last evaluated: 2025-08-25. Review status: criteria provided, single submitter. Criteria: Invitae Variant Classification Sherloc (09022015). Collection method: clinical testing. Allele origin: germline.
Comment: This sequence change replaces aspartic acid, which is acidic and polar, with tyrosine, which is neutral and polar, at codon 80 of the TNFSF12 protein (p.Asp80Tyr). This variant is present in population databases (rs766036039, gnomAD 0.02%). This variant has not been reported in the literature in individuals affected with TNFSF12-related conditions. An algorithm developed to predict the effect of missense changes on protein structure and function (PolyPhen-2) suggests that this variant is likely to be tolerated. In summary, the available evidence is currently insufficient to determine the role of this variant in disease. Therefore, it has been classified as a Variant of Uncertain Significance.